The following is an entry in ClinVar:

ClinVar aggregate classification (germline): Pathogenic/Likely pathogenic. Review status: criteria provided, multiple submitters, no conflicts (2 of 4 stars). 2 submissions from 2 submitters: Pathogenic (1); Likely pathogenic (1). Last evaluated 2023-08-18.

Conditions:
Familial cancer of breast. Also called: BREAST CANCER, FAMILIAL; Hereditary breast cancer; hereditary breast carcinoma. Identifiers: Orphanet 227535, MedGen C0346153, MONDO:0016419, OMIM 114480. Disease mechanism: loss of function.
Hereditary cancer-predisposing syndrome. Also called: Neoplastic Syndromes, Hereditary; Tumor predisposition; Hereditary neoplastic syndrome; Hereditary Cancer Syndrome. Identifiers: Orphanet 140162, MedGen C0027672, MeSH D009386, MONDO:0015356.

Submissions (2):

Baylor Genetics
Classification: Likely pathogenic for Familial cancer of breast. Last evaluated: 2023-08-18. Review status: criteria provided, single submitter. Criteria: ACMG Guidelines, 2015. Collection method: clinical testing. Allele origin: unknown.

Ambry Genetics
Classification: Pathogenic for Hereditary cancer-predisposing syndrome. Last evaluated: 2019-03-28. Review status: criteria provided, single submitter. Criteria: Ambry Variant Classification Scheme 2023. Collection method: clinical testing. Allele origin: germline.
Comment: The c.465_468delTTAC pathogenic mutation, located in coding exon 3 of the CHEK2 gene, results from a deletion of 4 nucleotides at nucleotide positions 465 to 468, causing a translational frameshift with a predicted alternate stop codon (p.Y156Lfs*4). This alteration is expected to result in loss of function by premature protein truncation or nonsense-mediated mRNA decay. As such, this alteration is interpreted as a disease-causing mutation.

NM_007194.4(CHEK2):c.465_468del (p.Tyr156fs)

Gene: CHEK2 (checkpoint kinase 2; minus strand). Cytogenetic location: 22q12.1.
Variant type: Deletion.
Coding change: c.465_468del on transcript NM_007194.4 (MANE Select); coding-DNA positions 465 to 468, 4 bases deleted (TTAC; older notation c.465_468delTTAC).
Protein change: p.Tyr156fs; shifts the reading frame from tyrosine 156.
Molecular consequence: frameshift variant. On other transcripts: 5 prime UTR variant (2), intron variant (1).
Genome position (GRCh38, 1-based): chr22:28,725,101-28,725,104, GTAA deleted on the plus strand (TTAC on the coding strand, the reverse complement: CHEK2 is on the minus strand); deleting any 4 consecutive bases within chr22:28,725,101-28,725,105 gives the same sequence; the c. name uses the placement nearest the transcript's 3' end. VCF-style (leftmost placement, unchanged base first): chr22-28725100-TGTAA-T. GRCh37 (hg19) VCF-style: chr22-29121088-TGTAA-T.
Other names: c.594_597del, p.Tyr199fs (NM_001005735.3, NM_001438294.1); c.-313_-310del (NM_001257387.3); c.-199_-196del (NM_001437942.1); c.558_561del, p.Tyr187fs (NM_001438293.1, NM_001438295.1); c.465_468del, p.Tyr156fs (NM_145862.3); c.444+139_444+142del (NM_001349956.3); short protein forms Y199fs, Y156fs, Y187fs.
Identifiers: ClinVar variation 825072 (VCV000825072.5), dbSNP rs1601824130, ClinGen allele CA915952737.